The following is an entry in ClinVar:

ClinVar aggregate classification (germline): Benign. Review status: reviewed by expert panel (3 of 4 stars). 9 submissions from 9 submitters: Benign (1). 8 of the submissions do not count toward it. Last evaluated 2025-08-14.

Conditions:
Autosomal recessive limb-girdle muscular dystrophy. Identifiers: Orphanet 102015, MedGen C2931907, MONDO:0015152.
Neuromuscular disease caused by qualitative or quantitative defects of dysferlin. Also called: Dysferlinopathy; Qualitative or quantitative defects of dysferlin. Identifiers: Orphanet 207073, MedGen C2931687, MONDO:0016145.
Autosomal recessive limb-girdle muscular dystrophy type 2B (LGMDR2). Also called: MUSCULAR DYSTROPHY, LIMB-GIRDLE, TYPE 3; Limb-girdle muscular dystrophy, type 2B; Limb-Girdle Muscular Dystrophy Type 2B (LGMD2B); MUSCULAR DYSTROPHY, LIMB-GIRDLE, AUTOSOMAL RECESSIVE 2. Identifiers: Orphanet 268, MedGen C1850889, MONDO:0009676, OMIM 253601.

Allele frequency attached by ClinVar (database versions not stated): ESP Exome Variant Server 0.00008; TOPMed 0.00074; gnomAD 0.00082 and 0.00098; ExAC 0.00165; 1000 Genomes Project 0.00220; 1000 Genomes Project 30x 0.00234.
gnomAD v4.1: 1,273 of 1,613,586 alleles (0.079%); highest among the groups gnomAD compares: East Asian, 0.97%; 4 homozygotes.

Submissions (9):

ClinGen Limb Girdle Muscular Dystrophy Variant Curation Expert Panel, ClinGen
Classification: Benign for Autosomal recessive limb-girdle muscular dystrophy. Last evaluated: 2025-08-14. Review status: reviewed by expert panel. Criteria: ClinGen LGMD VCEP ACMG Specifications DYSF V1.0.0. Collection method: curation. Allele origin: germline. Inheritance: Autosomal recessive inheritance.
Comment: The NM_003494.4: c.4374C>T p.(Ile1458=) variant in DYSF, which is also known as NM_001130987.2: c.4428C>T (p.Ile1476=), is a synonymous (silent) variant that is not located in a splice region (outside of the first and the last 3 bases of the exon). The filtering allele frequency for this variant is 0.008924 in gnomAD v4.1.0 (the lower threshold of the 95% CI of 434/44852 East Asian chromosomes), which is higher than the VCEP threshold of 0.003 (BA1). In addition, this variant is not predicted to impact splicing (SpliceAI score 0.02) (BP4, BP7). In summary, this variant meets the criteria to be classified as Benign for autosomal recessive limb girdle muscular dystrophy based on the ACMG/AMP criteria applied, as specified by the ClinGen LGMD VCEP (LGMD VCEP specifications version 1.0.0; 08/14/2025): BA1, BP4, BP7.

CeGaT Center for Human Genetics Tuebingen
Classification: Likely benign. Last evaluated: 2026-07-01. Review status: criteria provided, single submitter. Criteria: CeGaT Center For Human Genetics Tuebingen Variant Classification Criteria Version 2. Collection method: clinical testing. Allele origin: germline. Affected: yes. Observed: 2 variant alleles. Not counted in ClinVar's aggregate classification.
Comment: DYSF: BP4, BP7

Labcorp Genetics (formerly Invitae), Labcorp
Classification: Benign for Neuromuscular disease caused by qualitative or quantitative defects of dysferlin. Last evaluated: 2026-01-26. Review status: criteria provided, single submitter. Criteria: Invitae Variant Classification Sherloc (09022015). Collection method: clinical testing. Allele origin: germline. Not counted in ClinVar's aggregate classification.

Blueprint Genetics
Classification: Likely benign. Last evaluated: 2024-11-14. Review status: criteria provided, single submitter. Criteria: ACMG Guidelines, 2015. Collection method: clinical testing. Allele origin: germline. Not counted in ClinVar's aggregate classification.

GeneDx
Classification: Benign. Last evaluated: 2020-02-27. Review status: criteria provided, single submitter. Criteria: GeneDx Variant Classification Process June 2021. Collection method: clinical testing. Allele origin: germline. Affected: yes. Not counted in ClinVar's aggregate classification.

Illumina Laboratory Services, Illumina
Classification: Uncertain significance for Qualitative or quantitative defects of dysferlin. Last evaluated: 2018-01-12. Review status: criteria provided, single submitter. Criteria: ICSL Variant Classification Criteria 13 December 2019. Collection method: clinical testing. Allele origin: germline. Not counted in ClinVar's aggregate classification.

Athena Diagnostics
Classification: Benign. Last evaluated: 2017-02-15. Review status: criteria provided, single submitter. Criteria: Athena Diagnostics Criteria. Collection method: clinical testing. Allele origin: germline. Not counted in ClinVar's aggregate classification.

Eurofins Ntd Llc (ga)
Classification: Likely benign. Last evaluated: 2016-11-21. Review status: criteria provided, single submitter. Criteria: EGL Classification Definitions 2015. Collection method: clinical testing. Allele origin: germline. Observed: 2 variant alleles, 2 heterozygotes. Not counted in ClinVar's aggregate classification.

Natera, Inc.
Classification: Benign for Limb-girdle muscular dystrophy type 2B. Last evaluated: 2019-10-22. Review status: no assertion criteria provided. Collection method: clinical testing. Allele origin: germline. Not counted in ClinVar's aggregate classification.

NM_001130987.2(DYSF):c.4428C>T (p.Ile1476=)

Gene: DYSF (dysferlin; plus strand). Cytogenetic location: 2p13.2.
Variant type: single nucleotide variant.
Coding change: c.4428C>T on transcript NM_001130987.2 (MANE Select); coding-DNA position 4428, C replaced by T.
Protein change: p.Ile1476=; no amino-acid change (isoleucine 1476 retained).
Molecular consequence: synonymous variant.
Genome position (GRCh38, 1-based): chr2:71,613,374, C>T. VCF-style: chr2-71613374-C-T. GRCh37 (hg19) VCF-style: chr2-71840504-C-T.
Other names: NM_001130987.2(DYSF):c.4428C>T; p.Ile1476=; c.4377C>T, p.Ile1459= (NM_001130455.2, NM_001130983.2); c.4332C>T, p.Ile1444= (NM_001130976.2, NM_001130977.2); c.4374C>T, p.Ile1458= (NM_001130978.2, NM_003494.4); c.4467C>T, p.Ile1489= (NM_001130979.2); c.4425C>T, p.Ile1475= (NM_001130980.2, NM_001130981.2); c.4470C>T, p.Ile1490= (NM_001130982.2); and 2 more.
Identifiers: ClinVar variation 94323 (VCV000094323.42), dbSNP rs145690047, ClinGen allele CA222168.